The following is an entry in ClinVar:

NM_000212.3(ITGB3):c.*2117G>T

Genes: EFCAB13-DT (EFCAB13 divergent transcript; minus strand), ITGB3 (integrin subunit beta 3; plus strand). Cytogenetic location: 17q21.32.
Variant type: single nucleotide variant.
Coding change: c.*2117G>T on transcript NM_000212.3 (MANE Select); 2117 bases downstream of the stop codon, G replaced by T.
Molecular consequence: 3 prime UTR variant.
Genome position (GRCh38, 1-based): chr17:47,312,321, G>T. VCF-style: chr17-47312321-G-T. GRCh37 (hg19) VCF-style: chr17-45389687-G-T.
Identifiers: ClinVar variation 890799 (VCV000890799.4), dbSNP rs534143307, ClinGen allele CA291229501.

ClinVar aggregate classification (germline): Likely benign (1 of 4 stars; one submission).

Conditions:
Glanzmann thrombasthenia. Also called: BLEEDING DISORDER, PLATELET-TYPE, 2; THROMBASTHENIA OF GLANZMANN AND NAEGELI; PLATELET GLYCOPROTEIN IIb-IIIa DEFICIENCY; Thrombasthenia; Glanzmann's thrombasthenia. Identifiers: Orphanet 849, MedGen C0040015, MONDO:0100326.

Allele frequency attached by ClinVar (database versions not stated): gnomAD 0.00187 and 0.00198; 1000 Genomes Project 0.00200; TOPMed 0.00213; 1000 Genomes Project 30x 0.00219.
gnomAD v4.1: 284 of 152,300 alleles (0.19%); highest among the groups gnomAD compares: African/African-American, 0.63%; no homozygotes.

Submission:

Illumina Laboratory Services, Illumina
Classification: Likely benign for Glanzmann thrombasthenia 1. Last evaluated: 2018-01-13. Review status: criteria provided, single submitter. Criteria: ICSL Variant Classification Criteria 13 December 2019. Collection method: clinical testing. Allele origin: germline.
Comment: This variant was observed in the ICSL laboratory as part of a predisposition screen in an ostensibly healthy population. It had not been previously curated by ICSL or reported in the Human Gene Mutation Database (HGMD: prior to June 1st, 2018), and was therefore a candidate for classification through an automated scoring system. Utilizing variant allele frequency, disease prevalence and penetrance estimates, and inheritance mode, an automated score was calculated to assess if this variant is too frequent to cause the disease. Based on the score and internal cut-off values, a variant classified as likely benign is not then subjected to further curation. The score for this variant resulted in a classification of likely benign for this disease.